The following is an entry in ClinVar:

NM_015279.2(TBC1D30):c.595-1G>T

Gene: TBC1D30 (TBC1 domain family member 30; plus strand). Cytogenetic location: 12q14.3.
Variant type: single nucleotide variant.
Coding change: c.595-1G>T on transcript NM_015279.2 (MANE Select); the canonical splice acceptor site of the intron before coding-DNA position 595, G replaced by T.
Molecular consequence: splice acceptor variant.
Genome position (GRCh38, 1-based): chr12:64,836,489, G>T. VCF-style: chr12-64836489-G-T. GRCh37 (hg19) VCF-style: chr12-65230269-G-T.
Other names: c.253-1G>T (NM_001330187.2, NM_001330188.2, NM_001364838.2); c.595-1G>T (NM_001330186.2).
Identifiers: ClinVar variation 560243 (VCV000560243.3), dbSNP rs1295631624, ClinGen allele CA385661352.

ClinVar aggregate classification (germline): Uncertain significance (1 of 4 stars; one submission).

Allele frequency attached by ClinVar (database versions not stated): gnomAD exomes 0.00001.

Submission:

Geisinger Autism and Developmental Medicine Institute, Geisinger Health System
Classification: Uncertain significance. Last evaluated: 2018-01-29. Review status: criteria provided, single submitter. Criteria: ACMG Guidelines, 2015. Collection method: provider interpretation, clinical testing. Allele origin: de novo. Observed: 1 variant allele.
Comment: The variant is present in gnomAD African population at 0.016%, and it was found to be de novo (with maternity and paternity confirmed). This is a gene of uncertain significance; no known human disorders have been clearly associated with this gene. Whole exome sequencing identified a likely pathogenic, de novo variant in SCN2A and 1 additional variant of uncertain significance.